The following is an entry in ClinVar:

NM_001854.4(COL11A1):c.5173T>A (p.Ser1725Thr)

Genes: COL11A1 (collagen type XI alpha 1 chain; minus strand), LOC126805814 (P300/CBP strongly-dependent group 1 enhancer GRCh37_chr1:103344928-103346127; plus strand). Cytogenetic location: 1p21.1.
Variant type: single nucleotide variant.
Coding change: c.5173T>A on transcript NM_001854.4 (MANE Select); coding-DNA position 5173, T replaced by A.
Protein change: p.Ser1725Thr; replaces serine 1725 with threonine.
Molecular consequence: missense variant. On other transcripts: non-coding transcript variant (1).
Genome position (GRCh38, 1-based): chr1:102,879,784, A>T on the plus strand (T>A on the coding strand, the complement: COL11A1 is on the minus strand). VCF-style: chr1-102879784-A-T. GRCh37 (hg19) VCF-style: chr1-103345340-A-T.
Other names: c.4825T>A, p.Ser1609Thr (NM_001168249.1, NM_080630.4); c.5056T>A, p.Ser1686Thr (NM_001190709.2); c.5209T>A, p.Ser1737Thr (NM_080629.3); c.5173T>A (NM_001854.3); short protein forms S1609T, S1686T, S1725T, S1737T.
Identifiers: ClinVar variation 1720209 (VCV001720209.8), dbSNP rs1649995568, ClinGen allele CA341210949.

ClinVar aggregate classification (germline): Uncertain significance. Review status: criteria provided, multiple submitters, no conflicts (2 of 4 stars). 2 submissions from 2 submitters: Uncertain significance (2). Last evaluated 2026-04-16.

gnomAD v4.1: 1 of 1,613,992 alleles (0.000062%); no homozygotes.

Submissions (2):

GeneDx
Classification: Uncertain significance. Last evaluated: 2026-04-16. Review status: criteria provided, single submitter. Criteria: GeneDx Variant Classification Process June 2021. Collection method: clinical testing. Allele origin: germline.
Comment: Not observed at significant frequency in large population cohorts (gnomAD); In silico analysis suggests that this missense variant does not alter protein structure/function; Has not been previously published as pathogenic or benign to our knowledge; Not located in the triple helical region, where the majority of pathogenic missense variants occur (HGMD; PMID: 25240749); This variant is associated with the following publications: (PMID: 25240749)

Labcorp Genetics (formerly Invitae), Labcorp
Classification: Uncertain significance. Last evaluated: 2022-09-23. Review status: criteria provided, single submitter. Criteria: Invitae Variant Classification Sherloc (09022015). Collection method: clinical testing. Allele origin: germline.
Comment: In summary, the available evidence is currently insufficient to determine the role of this variant in disease. Therefore, it has been classified as a Variant of Uncertain Significance. Advanced modeling of protein sequence and biophysical properties (such as structural, functional, and spatial information, amino acid conservation, physicochemical variation, residue mobility, and thermodynamic stability) performed at Invitae indicates that this missense variant is not expected to disrupt COL11A1 protein function. This variant has not been reported in the literature in individuals affected with COL11A1-related conditions. This variant is not present in population databases (gnomAD no frequency). This sequence change replaces serine, which is neutral and polar, with threonine, which is neutral and polar, at codon 1725 of the COL11A1 protein (p.Ser1725Thr).